The following is an entry in ClinVar:

ClinVar aggregate classification (germline): Benign/Likely benign. Review status: criteria provided, multiple submitters, no conflicts (2 of 4 stars). 5 submissions from 5 submitters: Benign (1); Likely benign (4). Last evaluated 2026-02-01.

Conditions:
FLNB-Related Spectrum Disorders.

Allele frequency attached by ClinVar (database versions not stated): 1000 Genomes Project 30x 0.00016; 1000 Genomes Project 0.00020; gnomAD exomes 0.00093 and 0.00182; TOPMed 0.00100; ESP Exome Variant Server 0.00115; gnomAD 0.00131 and 0.00133; ExAC 0.00154.
gnomAD v4.1: 1,681 of 1,614,184 alleles (0.1%); highest among the groups gnomAD compares: Middle Eastern, 0.066%; 19 homozygotes.

Submissions (5):

Labcorp Genetics (formerly Invitae), Labcorp
Classification: Likely benign. Last evaluated: 2026-02-01. Review status: criteria provided, single submitter. Criteria: Invitae Variant Classification Sherloc (09022015). Collection method: clinical testing. Allele origin: germline.

ARUP Laboratories, Molecular Genetics and Genomics, ARUP Laboratories
Classification: Likely benign. Last evaluated: 2025-05-06. Review status: criteria provided, single submitter. Criteria: ARUP Molecular Germline Variant Investigation Process 2024. Collection method: clinical testing. Allele origin: germline.

CeGaT Center for Human Genetics Tuebingen
Classification: Likely benign. Last evaluated: 2022-12-01. Review status: criteria provided, single submitter. Criteria: CeGaT Center For Human Genetics Tuebingen Variant Classification Criteria Version 2. Collection method: clinical testing. Allele origin: germline. Affected: yes. Observed: 1 variant allele.
Comment: FLNB: BP4

GeneDx
Classification: Benign. Last evaluated: 2019-07-18. Review status: criteria provided, single submitter. Criteria: GeneDx Variant Classification Process June 2021. Collection method: clinical testing. Allele origin: germline. Affected: yes.

Illumina Laboratory Services, Illumina
Classification: Likely benign for FLNB-Related Spectrum Disorders. Last evaluated: 2018-01-13. Review status: criteria provided, single submitter. Criteria: ICSL Variant Classification Criteria 13 December 2019. Collection method: clinical testing. Allele origin: germline.
Comment: This variant was observed in the ICSL laboratory as part of a predisposition screen in an ostensibly healthy population. It had not been previously curated by ICSL or reported in the Human Gene Mutation Database (HGMD: prior to June 1st, 2018), and was therefore a candidate for classification through an automated scoring system. Utilizing variant allele frequency, disease prevalence and penetrance estimates, and inheritance mode, an automated score was calculated to assess if this variant is too frequent to cause the disease. Based on the score and internal cut-off values, a variant classified as likely benign is not then subjected to further curation. The score for this variant resulted in a classification of likely benign for this disease.

NM_001457.4(FLNB):c.7360G>A (p.Val2454Ile)

Genes: FLNB (filamin B; plus strand), FLNB-AS1 (FLNB antisense RNA 1; minus strand). Cytogenetic location: 3p14.3.
Variant type: single nucleotide variant.
Coding change: c.7360G>A on transcript NM_001457.4 (MANE Select); coding-DNA position 7360, G replaced by A.
Protein change: p.Val2454Ile; replaces valine 2454 with isoleucine.
Molecular consequence: missense variant.
Genome position (GRCh38, 1-based): chr3:58,168,601, G>A. VCF-style: chr3-58168601-G-A. GRCh37 (hg19) VCF-style: chr3-58154328-G-A.
Other names: c.7453G>A, p.Val2485Ile (NM_001164317.2); c.7327G>A, p.Val2443Ile (NM_001164318.2); c.7288G>A, p.Val2430Ile (NM_001164319.2); short protein forms V2454I, V2430I, V2485I, V2443I.
Identifiers: ClinVar variation 516077 (VCV000516077.47), dbSNP rs146499414, ClinGen allele CA2469661.